The following is an entry in ClinVar:

ClinVar aggregate classification (germline): Uncertain significance. Review status: criteria provided, multiple submitters, no conflicts (2 of 4 stars). 4 submissions from 4 submitters: Uncertain significance (4). Last evaluated 2025-12-22.

Conditions:
Hereditary cancer-predisposing syndrome. Also called: Tumor predisposition; Neoplastic Syndromes, Hereditary; Hereditary neoplastic syndrome; Hereditary Cancer Syndrome. Identifiers: Orphanet 140162, MedGen C0027672, MeSH D009386, MONDO:0015356.
Ataxia-telangiectasia syndrome (AT). Also called: Ataxia-telangiectasia, complementation group D; AT, COMPLEMENTATION GROUP C; ATAXIA-TELANGIECTASIA, COMPLEMENTATION GROUP A; ATAXIA-TELANGIECTASIA, FRESNO VARIANT; Ataxia-telangiectasia; Ataxia telangiectasia (A-T). Identifiers: Orphanet 100, MedGen C0004135, MONDO:0008840, OMIM 208900.

Submissions (4):

Labcorp Genetics (formerly Invitae), Labcorp
Classification: Uncertain significance for Ataxia-telangiectasia syndrome. Last evaluated: 2025-12-22. Review status: criteria provided, single submitter. Criteria: Invitae Variant Classification Sherloc (09022015). Collection method: clinical testing. Allele origin: germline.
Comment: This sequence change replaces cysteine, which is neutral and slightly polar, with arginine, which is basic and polar, at codon 2770 of the ATM protein (p.Cys2770Arg). This variant is not present in population databases (gnomAD no frequency). This variant has not been reported in the literature in individuals affected with ATM-related conditions. ClinVar contains an entry for this variant (Variation ID: 924928). Invitae Evidence Modeling of protein sequence and biophysical properties (such as structural, functional, and spatial information, amino acid conservation, physicochemical variation, residue mobility, and thermodynamic stability) indicates that this missense variant is expected to disrupt ATM protein function with a positive predictive value of 95%. In summary, the available evidence is currently insufficient to determine the role of this variant in disease. Therefore, it has been classified as a Variant of Uncertain Significance.

Color Diagnostics, LLC DBA Color Health
Classification: Uncertain significance for Hereditary cancer-predisposing syndrome. Last evaluated: 2024-03-06. Review status: criteria provided, single submitter. Criteria: ACMG Guidelines, 2015. Collection method: clinical testing. Allele origin: germline.
Comment: This missense variant replaces cysteine with arginine at codon 2770 of the ATM protein. Computational prediction suggests that this variant may have deleterious impact on protein structure and function (internally defined REVEL score threshold >= 0.7, PMID: 27666373). To our knowledge, functional studies have not been reported for this variant. This variant has not been reported in individuals affected with hereditary cancer in the literature. This variant has not been identified in the general population by the Genome Aggregation Database (gnomAD). The available evidence is insufficient to determine the role of this variant in disease conclusively. Therefore, this variant is classified as a Variant of Uncertain Significance.

Ambry Genetics
Classification: Uncertain significance for Hereditary cancer-predisposing syndrome. Last evaluated: 2021-08-14. Review status: criteria provided, single submitter. Criteria: Ambry Variant Classification Scheme 2023. Collection method: clinical testing. Allele origin: germline.
Comment: The p.C2770R variant (also known as c.8308T>C), located in coding exon 56 of the ATM gene, results from a T to C substitution at nucleotide position 8308. The cysteine at codon 2770 is replaced by arginine, an amino acid with highly dissimilar properties. This amino acid position is conserved. In addition, this alteration is predicted to be deleterious by in silico analysis. Since supporting evidence is limited at this time, the clinical significance of this alteration remains unclear.

GeneDx
Classification: Uncertain significance. Last evaluated: 2020-10-20. Review status: criteria provided, single submitter. Criteria: GeneDx Variant Classification Process June 2021. Collection method: clinical testing. Allele origin: germline. Affected: yes.
Comment: Not observed in large population cohorts (Lek et al., 2016); In silico analysis supports that this missense variant has a deleterious effect on protein structure/function; Has not been previously published as pathogenic or benign to our knowledge

NM_000051.4(ATM):c.8308T>C (p.Cys2770Arg)

Genes: ATM (ATM serine/threonine kinase; plus strand), C11orf65 (chromosome 11 open reading frame 65; minus strand). Cytogenetic location: 11q22.3.
Variant type: single nucleotide variant.
Coding change: c.8308T>C on transcript NM_000051.4 (MANE Select); coding-DNA position 8308, T replaced by C.
Protein change: p.Cys2770Arg; replaces cysteine 2770 with arginine.
Molecular consequence: missense variant. On other transcripts: intron variant (2).
Genome position (GRCh38, 1-based): chr11:108,343,261, T>C. VCF-style: chr11-108343261-T-C. GRCh37 (hg19) VCF-style: chr11-108213988-T-C.
Other names: c.8308T>C, p.Cys2770Arg (NM_001351834.2); c.641-34190A>G (NM_001330368.2); c.695-7969A>G (NM_001351110.2); short protein forms C2770R.
Identifiers: ClinVar variation 924928 (VCV000924928.11), dbSNP rs749737164, ClinGen allele CA382516356.